The following is an entry in ClinVar:

NM_025257.3(SLC44A4):c.1694T>C (p.Ile565Thr)

Gene: SLC44A4 (solute carrier family 44 member 4; minus strand). Cytogenetic location: 6p21.33.
Variant type: single nucleotide variant.
Coding change: c.1694T>C on transcript NM_025257.3 (MANE Select); coding-DNA position 1694, T replaced by C.
Protein change: p.Ile565Thr; replaces isoleucine 565 with threonine.
Molecular consequence: missense variant.
Genome position (GRCh38, 1-based): chr6:31,865,381, A>G on the plus strand (T>C on the coding strand, the complement: SLC44A4 is on the minus strand). VCF-style: chr6-31865381-A-G. GRCh37 (hg19) VCF-style: chr6-31833158-A-G.
Other names: c.1568T>C, p.Ile523Thr (NM_001178044.2); c.1466T>C, p.Ile489Thr (NM_001178045.2); c.1694T>C, p.Ile565Thr (NM_032794.1); short protein forms I489T, I523T, I565T.
Identifiers: ClinVar variation 2912460 (VCV002912460.3), dbSNP rs138964997, ClinGen allele CA3725316.

ClinVar aggregate classification (germline): Uncertain significance (1 of 4 stars; one submission).

Allele frequency attached by ClinVar (database versions not stated): TOPMed 0.00002; ESP Exome Variant Server 0.00008; gnomAD exomes 0.00001; gnomAD 0.00003; ExAC 0.00001.
gnomAD v4.1: 15 of 1,613,924 alleles (0.00093%); highest among the groups gnomAD compares: Non-Finnish European, 0.0013%; no homozygotes.

Submission:

Labcorp Genetics (formerly Invitae), Labcorp
Classification: Uncertain significance. Last evaluated: 2025-07-08. Review status: criteria provided, single submitter. Criteria: Invitae Variant Classification Sherloc (09022015). Collection method: clinical testing. Allele origin: germline.
Comment: This sequence change replaces isoleucine, which is neutral and non-polar, with threonine, which is neutral and polar, at codon 565 of the SLC44A4 protein (p.Ile565Thr). This variant is present in population databases (rs138964997, gnomAD 0.002%). This variant has not been reported in the literature in individuals affected with SLC44A4-related conditions. ClinVar contains an entry for this variant (Variation ID: 2912460). Invitae Evidence Modeling of protein sequence and biophysical properties (such as structural, functional, and spatial information, amino acid conservation, physicochemical variation, residue mobility, and thermodynamic stability) indicates that this missense variant is not expected to disrupt SLC44A4 protein function with a negative predictive value of 80%. In summary, the available evidence is currently insufficient to determine the role of this variant in disease. Therefore, it has been classified as a Variant of Uncertain Significance.